The following is an entry in ClinVar:

NM_007294.4(BRCA1):c.717T>G (p.His239Gln)

Gene: BRCA1 (BRCA1 DNA repair associated; minus strand). Cytogenetic location: 17q21.31.
Variant type: single nucleotide variant.
Coding change: c.717T>G on transcript NM_007294.4 (MANE Select); coding-DNA position 717, T replaced by G.
Protein change: p.His239Gln; replaces histidine 239 with glutamine.
Molecular consequence: missense variant. On other transcripts: intron variant (13), 5 prime UTR variant (2).
Genome position (GRCh38, 1-based): chr17:43,094,814, A>C on the plus strand (T>G on the coding strand, the complement: BRCA1 is on the minus strand). VCF-style: chr17-43094814-A-C. GRCh37 (hg19) VCF-style: chr17-41246831-A-C.
Other names: c.504T>G, p.His168Gln (NM_001407571.1, NM_001408490.1, NM_001408491.1 and 12 more transcripts); c.717T>G, p.His239Gln (NM_001407581.1, NM_001407585.1, NM_001407593.1 and 53 more transcripts); c.714T>G, p.His238Gln (NM_001407587.1, NM_001407590.1, NM_001407591.1 and 38 more transcripts); c.591T>G, p.His197Gln (NM_001408450.1, NM_001407649.1, NM_001407670.1 and 20 more transcripts); c.582T>G, p.His194Gln (NM_001408451.1); c.576T>G, p.His192Gln (NM_001408452.1, NM_001408453.1, NM_001408454.1 and 43 more transcripts); c.573T>G, p.His191Gln (NM_001408462.1, NM_001408463.1, NM_001408464.1 and 26 more transcripts); c.516T>G, p.His172Gln (NM_001408474.1, NM_001408476.1, NM_001407862.1); and 20 more; short protein forms H111Q, H169Q, H191Q, H192Q, H238Q, H112Q, H151Q, H172Q.
Identifiers: ClinVar variation 3261466 (VCV003261466.1).

ClinVar aggregate classification (germline): Uncertain significance (1 of 4 stars; one submission).

Conditions:
Hereditary cancer-predisposing syndrome. Also called: Hereditary Cancer Syndrome; Tumor predisposition; Hereditary neoplastic syndrome; Neoplastic Syndromes, Hereditary. Identifiers: Orphanet 140162, MedGen C0027672, MeSH D009386, MONDO:0015356.

Submission:

Ambry Genetics
Classification: Uncertain significance for Hereditary cancer-predisposing syndrome. Last evaluated: 2024-04-29. Review status: criteria provided, single submitter. Criteria: Ambry Variant Classification Scheme 2023. Collection method: clinical testing. Allele origin: germline.
Comment: The p.H239Q variant (also known as c.717T>G), located in coding exon 9 of the BRCA1 gene, results from a T to G substitution at nucleotide position 717. The histidine at codon 239 is replaced by glutamine, an amino acid with highly similar properties. This amino acid position is not well conserved in available vertebrate species. In addition, this alteration is predicted to be deleterious by in silico analysis. Based on the available evidence, the clinical significance of this variant remains unclear.